The following is an entry in ClinVar:

NM_014727.3(KMT2B):c.3171_3172delinsAA (p.Val1058Met)

Gene: KMT2B (lysine methyltransferase 2B; plus strand). Cytogenetic location: 19q13.12.
Variant type: Indel.
Coding change: c.3171_3172delinsAA on transcript NM_014727.3 (MANE Select); coding-DNA positions 3171 to 3172, GG replaced by AA.
Protein change: p.Val1058Met; replaces valine 1058 with methionine.
Molecular consequence: missense variant.
Genome position (GRCh38, 1-based): chr19:35,723,844-35,723,845, GG replaced by AA. VCF-style: chr19-35723844-GG-AA. GRCh37 (hg19) VCF-style: chr19-36214745-GG-AA.
Other names: short protein forms V1058M.
Identifiers: ClinVar variation 2189349 (VCV002189349.4), dbSNP rs2513325601, ClinGen allele CA2580096953.

ClinVar aggregate classification (germline): Uncertain significance (1 of 4 stars; one submission).

Submission:

Labcorp Genetics (formerly Invitae), Labcorp
Classification: Uncertain significance. Last evaluated: 2025-12-01. Review status: criteria provided, single submitter. Criteria: Invitae Variant Classification Sherloc (09022015). Collection method: clinical testing. Allele origin: germline.
Comment: This variant, c.3171_3172delinsAA, is a complex sequence change that results in the deletion of 1 and insertion of 1 amino acid(s) in the KMT2B protein (p.Val1058Met). Information on the frequency of this variant in the gnomAD database is not available, as this variant may be reported differently in the database. This variant has not been reported in the literature in individuals affected with KMT2B-related conditions. ClinVar contains an entry for this variant (Variation ID: 2189349). Experimental studies and prediction algorithms are not available or were not evaluated, and the functional significance of this variant is currently unknown. In summary, the available evidence is currently insufficient to determine the role of this variant in disease. Therefore, it has been classified as a Variant of Uncertain Significance.